The following is an entry in ClinVar:

ClinVar aggregate classification (germline): Uncertain significance. Review status: criteria provided, multiple submitters, no conflicts (2 of 4 stars). 2 submissions from 2 submitters: Uncertain significance (2). Last evaluated 2024-06-28.

Conditions:
Congenital myasthenic syndrome 20. Also called: Myasthenic syndrome, congenital, 20, presynaptic. Identifiers: MedGen C4310694, MONDO:0014939, OMIM 617143.
Neuronopathy, distal hereditary motor, type 7A. Also called: Neuronopathy, distal hereditary motor, type viia; HARPER-YOUNG MYOPATHY; HMN VIIA; NEURONOPATHY, DISTAL HEREDITARY MOTOR, HARDING TYPE VIIA; NEUROPATHY, DISTAL HEREDITARY MOTOR, HARDING TYPE VIIA; Neuronopathy, distal hereditary motor, autosomal dominant 7. Identifiers: Orphanet 139589, MedGen C1834703, MONDO:0008024, OMIM 158580.

gnomAD v4.1: 6 of 1,612,144 alleles (0.00037%); highest among the groups gnomAD compares: South Asian, 0.0066%; no homozygotes.

Submissions (2):

Revvity Omics, Revvity
Classification: Uncertain significance. Last evaluated: 2024-06-28. Review status: criteria provided, single submitter. Criteria: ACMG Guidelines, 2015. Collection method: clinical testing. Allele origin: germline.

Labcorp Genetics (formerly Invitae), Labcorp
Classification: Uncertain significance for Neuronopathy, distal hereditary motor, type 7A; Congenital myasthenic syndrome 20. Last evaluated: 2024-05-22. Review status: criteria provided, single submitter. Criteria: Invitae Variant Classification Sherloc (09022015). Collection method: clinical testing. Allele origin: germline.
Comment: This sequence change falls in intron 3 of the SLC5A7 gene. It does not directly change the encoded amino acid sequence of the SLC5A7 protein. This variant is present in population databases (no rsID available, gnomAD 0.007%). This variant has not been reported in the literature in individuals affected with SLC5A7-related conditions. Algorithms developed to predict the effect of sequence changes on RNA splicing suggest that this variant may disrupt the consensus splice site. In summary, the available evidence is currently insufficient to determine the role of this variant in disease. Therefore, it has been classified as a Variant of Uncertain Significance.

NM_021815.5(SLC5A7):c.293-10T>C

Gene: SLC5A7 (solute carrier family 5 member 7; plus strand). Cytogenetic location: 2q12.3.
Variant type: single nucleotide variant.
Coding change: c.293-10T>C on transcript NM_021815.5 (MANE Select); 10 bases into the intron before coding-DNA position 293, T replaced by C.
Molecular consequence: intron variant.
Genome position (GRCh38, 1-based): chr2:107,992,962, T>C. VCF-style: chr2-107992962-T-C. GRCh37 (hg19) VCF-style: chr2-108609418-T-C.
Other names: c.-23-10T>C (NM_001305006.3); c.-412-10T>C (NM_001305007.3); c.293-10T>C (NM_001305005.3).
Identifiers: ClinVar variation 3753196 (VCV003753196.3).